The following is an entry in ClinVar:

NM_006420.3(ARFGEF2):c.4490A>T (p.Asp1497Val)

Gene: ARFGEF2 (ARF guanine nucleotide exchange factor 2; plus strand). Cytogenetic location: 20q13.13.
Variant type: single nucleotide variant.
Coding change: c.4490A>T on transcript NM_006420.3 (MANE Select); coding-DNA position 4490, A replaced by T.
Protein change: p.Asp1497Val; replaces aspartic acid 1497 with valine.
Molecular consequence: missense variant.
Genome position (GRCh38, 1-based): chr20:49,017,531, A>T. VCF-style: chr20-49017531-A-T. GRCh37 (hg19) VCF-style: chr20-47634068-A-T.
Other names: c.4490A>T (NM_006420.2); short protein forms D1497V.
Identifiers: ClinVar variation 1474462 (VCV001474462.9), dbSNP rs768063246, ClinGen allele CA9899234.
Genomic context (GRCh38, chr20:49,017,531, plus strand): 5'-TTTTTTTCTCTATTTTTTTCTTCAGTTTGCTGACATGGAGACCTGTAGGAATGGAGGAAG[A>T]TTCATCAGAAAAGCATTTGGTAGGATTTGGGGTTTTTCTTTGGTTGTCTTTTCTTTTTTC-3'
Protein context (NP_006411.2, residues 1487-1507): LTWRPVGMEE[Asp1497Val]SSEKHLDVDL

ClinVar aggregate classification (germline): Uncertain significance. Review status: criteria provided, multiple submitters, no conflicts (2 of 4 stars). 2 submissions from 2 submitters: Uncertain significance (2). Last evaluated 2023-08-22.

Conditions:
Inborn genetic diseases. Identifiers: MedGen C0950123, MeSH D030342.

Allele frequency attached by ClinVar (database versions not stated): ExAC 0.00001; gnomAD exomes 0.00001; gnomAD 0.00002 and 0.00003; TOPMed 0.00003.
gnomAD v4.1: 10 of 1,613,848 alleles (0.00062%); highest among the groups gnomAD compares: Admixed American, 0.005%; no homozygotes.

Submissions (2):

Ambry Genetics
Classification: Uncertain significance for Inborn genetic diseases. Last evaluated: 2023-08-22. Review status: criteria provided, single submitter. Criteria: Ambry Variant Classification Scheme 2023. Collection method: clinical testing. Allele origin: germline.

Labcorp Genetics (formerly Invitae), Labcorp
Classification: Uncertain significance. Last evaluated: 2021-01-09. Review status: criteria provided, single submitter. Criteria: Invitae Variant Classification Sherloc (09022015). Collection method: clinical testing. Allele origin: germline.
Comment: In summary, the available evidence is currently insufficient to determine the role of this variant in disease. Therefore, it has been classified as a Variant of Uncertain Significance. Algorithms developed to predict the effect of missense changes on protein structure and function (SIFT, PolyPhen-2, Align-GVGD) all suggest that this variant is likely to be tolerated, but these predictions have not been confirmed by published functional studies and their clinical significance is uncertain. This variant has not been reported in the literature in individuals with ARFGEF2-related conditions. This variant is present in population databases (rs768063246, ExAC 0.001%). This sequence change replaces aspartic acid with valine at codon 1497 of the ARFGEF2 protein (p.Asp1497Val). The aspartic acid residue is weakly conserved and there is a large physicochemical difference between aspartic acid and valine.